The following is an entry in ClinVar:

ClinVar aggregate classification (germline): Uncertain significance. Review status: criteria provided, multiple submitters, no conflicts (2 of 4 stars). 3 submissions from 3 submitters: Uncertain significance (3). Last evaluated 2022-09-07.

Conditions:
Age related macular degeneration 13. Identifiers: MedGen C3809523, MONDO:0014189, OMIM 615439.
Factor I deficiency (CFID). Also called: Complement factor I deficiency. Identifiers: Orphanet 200418, MedGen C3463916, MONDO:0012594, OMIM 610984.
Atypical hemolytic-uremic syndrome with I factor anomaly. Also called: HEMOLYTIC UREMIC SYNDROME, ATYPICAL, SUSCEPTIBILITY TO, 3; AHUS, SUSCEPTIBILITY TO, 3. Identifiers: Orphanet 2134, MedGen C2752039, MONDO:0013041, OMIM 612923.

Allele frequency attached by ClinVar (database versions not stated): gnomAD exomes below 0.00001; ExAC 0.00001; gnomAD 0.00001; TOPMed 0.00001.

Submissions (3):

Labcorp Genetics (formerly Invitae), Labcorp
Classification: Uncertain significance. Last evaluated: 2022-09-07. Review status: criteria provided, single submitter. Criteria: Invitae Variant Classification Sherloc (09022015). Collection method: clinical testing. Allele origin: germline.
Comment: In summary, the available evidence is currently insufficient to determine the role of this variant in disease. Therefore, it has been classified as a Variant of Uncertain Significance. Advanced modeling of protein sequence and biophysical properties (such as structural, functional, and spatial information, amino acid conservation, physicochemical variation, residue mobility, and thermodynamic stability) performed at Invitae indicates that this missense variant is not expected to disrupt CFI protein function. ClinVar contains an entry for this variant (Variation ID: 1361826). This variant has not been reported in the literature in individuals affected with CFI-related conditions. This variant is present in population databases (rs760787282, gnomAD 0.0009%). This sequence change replaces methionine with valine at codon 147 of the CFI protein (p.Met147Val). The methionine residue is weakly conserved and there is a small physicochemical difference between methionine and valine.

Blueprint Genetics
Classification: Uncertain significance. Last evaluated: 2022-08-17. Review status: criteria provided, single submitter. Criteria: ACMG Guidelines, 2015. Collection method: clinical testing. Allele origin: germline.

Fulgent Genetics
Classification: Uncertain significance for Factor I deficiency; Atypical hemolytic-uremic syndrome with I factor anomaly; Age related macular degeneration 13. Last evaluated: 2022-05-26. Review status: criteria provided, single submitter. Criteria: ACMG Guidelines, 2015. Collection method: clinical testing. Allele origin: unknown.

NM_000204.5(CFI):c.439A>G (p.Met147Val)

Gene: CFI (complement factor I; minus strand). Cytogenetic location: 4q25.
Variant type: single nucleotide variant.
Coding change: c.439A>G on transcript NM_000204.5 (MANE Select); coding-DNA position 439, A replaced by G.
Protein change: p.Met147Val; replaces methionine 147 with valine.
Molecular consequence: missense variant. On other transcripts: non-coding transcript variant (3), intron variant (1).
Genome position (GRCh38, 1-based): chr4:109,764,580, T>C on the plus strand (A>G on the coding strand, the complement: CFI is on the minus strand). VCF-style: chr4-109764580-T-C. GRCh37 (hg19) VCF-style: chr4-110685736-T-C.
Other names: c.439A>G, p.Met147Val (NM_001318057.2, NM_001331035.2, NM_001375278.1 and 5 more transcripts); c.-127-2888A>G (NM_001375284.1); short protein forms M147V.
Identifiers: ClinVar variation 1361826 (VCV001361826.8), dbSNP rs760787282, ClinGen allele CA3042274.